The following is an entry in ClinVar:

NM_001267550.2(TTN):c.107392C>A (p.Pro35798Thr)

Genes: TTN (titin; minus strand), TTN-AS1 (TTN antisense RNA 1; plus strand). Cytogenetic location: 2q31.2.
Variant type: single nucleotide variant.
Coding change: c.107392C>A on transcript NM_001267550.2 (MANE Select); coding-DNA position 107392, C replaced by A.
Protein change: p.Pro35798Thr; replaces proline 35798 with threonine.
Molecular consequence: missense variant.
Genome position (GRCh38, 1-based): chr2:178,527,734, G>T on the plus strand (C>A on the coding strand, the complement: TTN is on the minus strand). VCF-style: chr2-178527734-G-T. GRCh37 (hg19) VCF-style: chr2-179392461-G-T.
Other names: c.102469C>A, p.Pro34157Thr (NM_001256850.1); c.80197C>A, p.Pro26733Thr (NM_003319.4); c.99688C>A, p.Pro33230Thr (NM_133378.4); c.80572C>A, p.Pro26858Thr (NM_133432.3); c.80773C>A, p.Pro26925Thr (NM_133437.4); short protein forms P33230T, P35798T, P26858T, P26733T, P26925T, P34157T.
Identifiers: ClinVar variation 597678 (VCV000597678.12), dbSNP rs780544430, ClinGen allele CA349401118.

ClinVar aggregate classification (germline): Uncertain significance. Review status: criteria provided, multiple submitters, no conflicts (2 of 4 stars). 2 submissions from 2 submitters: Uncertain significance (2). Last evaluated 2023-09-22.

Conditions:
Dilated cardiomyopathy 1G (CMD1G). Identifiers: Orphanet 154, MedGen C1858763, MONDO:0011400, OMIM 604145.
Autosomal recessive limb-girdle muscular dystrophy type 2J (LGMDR10). Also called: Limb-girdle muscular dystrophy, type 2J; MUSCULAR DYSTROPHY, LIMB-GIRDLE, AUTOSOMAL RECESSIVE 10. Identifiers: Orphanet 140922, MedGen C1837342, MONDO:0012127, OMIM 608807.

gnomAD v4.1: 4 of 1,598,544 alleles (0.00025%); highest among the groups gnomAD compares: Non-Finnish European, 0.00034%; no homozygotes.

Submissions (2):

Labcorp Genetics (formerly Invitae), Labcorp
Classification: Uncertain significance for Dilated cardiomyopathy 1G; Autosomal recessive limb-girdle muscular dystrophy type 2J. Last evaluated: 2023-09-22. Review status: criteria provided, single submitter. Criteria: Invitae Variant Classification Sherloc (09022015). Collection method: clinical testing. Allele origin: germline.
Comment: This sequence change replaces proline, which is neutral and non-polar, with threonine, which is neutral and polar, at codon 35798 of the TTN protein (p.Pro35798Thr). This variant is present in population databases (no rsID available, gnomAD 0.001%). This variant has not been reported in the literature in individuals affected with TTN-related conditions. ClinVar contains an entry for this variant (Variation ID: 597678). Experimental studies and prediction algorithms are not available or were not evaluated, and the functional significance of this variant is currently unknown. This variant is located in the M band of TTN (PMID: 25589632). Variants in this region may be relevant for neuromuscular disorders, but have not been definitively shown to cause cardiomyopathy (PMID: 23975875). In summary, the available evidence is currently insufficient to determine the role of this variant in disease. Therefore, it has been classified as a Variant of Uncertain Significance.

Eurofins Ntd Llc (ga)
Classification: Uncertain significance. Last evaluated: 2018-06-25. Review status: criteria provided, single submitter. Criteria: EGL ClinVar v180209 classification definitions. Collection method: clinical testing. Allele origin: germline. Observed: 1 variant allele, 1 heterozygote.

Literature cited by the submitters: PubMed 25589632 (cited by Labcorp Genetics (formerly Invitae), Labcorp); PubMed 23975875 (cited by Labcorp Genetics (formerly Invitae), Labcorp).